The following is an entry in ClinVar:

NM_170682.4(P2RX2):c.817G>T (p.Asp273Tyr)

Gene: P2RX2 (purinergic receptor P2X 2; plus strand). Cytogenetic location: 12q24.33.
Variant type: single nucleotide variant.
Coding change: c.817G>T on transcript NM_170682.4 (MANE Select); coding-DNA position 817, G replaced by T.
Protein change: p.Asp273Tyr; replaces aspartic acid 273 with tyrosine.
Molecular consequence: missense variant.
Genome position (GRCh38, 1-based): chr12:132,621,043, G>T. VCF-style: chr12-132621043-G-T. GRCh37 (hg19) VCF-style: chr12-133197629-G-T.
Other names: c.715G>T, p.Asp239Tyr (NM_001282164.2); c.817G>T, p.Asp273Tyr (NM_001282165.2, NM_170683.4, NM_174873.3); c.601G>T, p.Asp201Tyr (NM_012226.5); c.745G>T, p.Asp249Tyr (NM_016318.4); c.541G>T, p.Asp181Tyr (NM_174872.3); short protein forms D181Y, D201Y, D239Y, D249Y, D273Y.
Identifiers: ClinVar variation 1303252 (VCV001303252.3), dbSNP rs767470753, ClinGen allele CA6891675.

ClinVar aggregate classification (germline): Uncertain significance (1 of 4 stars; one submission).

Allele frequency attached by ClinVar (database versions not stated): gnomAD exomes 0.00006; gnomAD 0.00001; ExAC 0.00007.

Submission:

GeneDx
Classification: Uncertain significance. Last evaluated: 2026-08-25. Review status: criteria provided, single submitter. Criteria: GeneDx Variant Classification Process June 2021. Collection method: clinical testing. Allele origin: germline.
Comment: Published functional studies demonstrate a damaging effect on P2X2 receptor channel activity (PMID: 31636190); In silico analysis supports that this missense variant has a deleterious effect on protein structure/function; This variant is associated with the following publications: (PMID: 26346818, 41023131, 31636190, 25788561)